The following is an entry in ClinVar:

NM_024675.4(PALB2):c.584T>C (p.Ile195Thr)

Gene: PALB2 (partner and localizer of BRCA2; minus strand). Cytogenetic location: 16p12.2.
Variant type: single nucleotide variant.
Coding change: c.584T>C on transcript NM_024675.4 (MANE Select); coding-DNA position 584, T replaced by C.
Protein change: p.Ile195Thr; replaces isoleucine 195 with threonine.
Molecular consequence: missense variant.
Genome position (GRCh38, 1-based): chr16:23,635,962, A>G on the plus strand (T>C on the coding strand, the complement: PALB2 is on the minus strand). VCF-style: chr16-23635962-A-G. GRCh37 (hg19) VCF-style: chr16-23647283-A-G.
Other names: short protein forms I195T.
Identifiers: ClinVar variation 861576 (VCV000861576.10), dbSNP rs587782260, ClinGen allele CA395136750.

ClinVar aggregate classification (germline): Uncertain significance (1 of 4 stars; one submission).

Conditions:
Familial cancer of breast. Also called: hereditary breast carcinoma; Hereditary breast cancer; BREAST CANCER, FAMILIAL. Identifiers: Orphanet 227535, MedGen C0346153, MONDO:0016419, OMIM 114480. Disease mechanism: loss of function.

Allele frequency attached by ClinVar (database versions not stated): gnomAD 0.00001.
gnomAD v4.1: 1 of 1,613,958 alleles (0.000062%); highest among the groups gnomAD compares: African/African-American, 0.0013%; no homozygotes.

Submission:

Labcorp Genetics (formerly Invitae), Labcorp
Classification: Uncertain significance for Familial cancer of breast. Last evaluated: 2023-02-14. Review status: criteria provided, single submitter. Criteria: Invitae Variant Classification Sherloc (09022015). Collection method: clinical testing. Allele origin: germline.
Comment: This sequence change replaces isoleucine, which is neutral and non-polar, with threonine, which is neutral and polar, at codon 195 of the PALB2 protein (p.Ile195Thr). This variant is not present in population databases (gnomAD no frequency). This variant has not been reported in the literature in individuals affected with PALB2-related conditions. ClinVar contains an entry for this variant (Variation ID: 861576). Algorithms developed to predict the effect of missense changes on protein structure and function output the following: SIFT: "Tolerated"; PolyPhen-2: "Benign"; Align-GVGD: "Class C0". The threonine amino acid residue is found in multiple mammalian species, which suggests that this missense change does not adversely affect protein function. In summary, the available evidence is currently insufficient to determine the role of this variant in disease. Therefore, it has been classified as a Variant of Uncertain Significance.